The following is an entry in ClinVar:

NM_022773.4(LMF1):c.233T>C (p.Leu78Pro)

Gene: LMF1 (lipase maturation factor 1; minus strand). Cytogenetic location: 16p13.3.
Variant type: single nucleotide variant.
Coding change: c.233T>C on transcript NM_022773.4 (MANE Select); coding-DNA position 233, T replaced by C.
Protein change: p.Leu78Pro; replaces leucine 78 with proline.
Molecular consequence: missense variant. On other transcripts: 5 prime UTR variant (4), non-coding transcript variant (1).
Genome position (GRCh38, 1-based): chr16:954,627, A>G on the plus strand (T>C on the coding strand, the complement: LMF1 is on the minus strand). VCF-style: chr16-954627-A-G. GRCh37 (hg19) VCF-style: chr16-1004627-A-G.
Other names: c.-571T>C (NM_001352017.2); c.-322T>C (NM_001352018.2); c.-95T>C (NM_001352019.2); c.233T>C, p.Leu78Pro (NM_001352020.1); c.-473T>C (NM_001352021.2); c.233T>C (NM_022773.2); short protein forms L78P.
Identifiers: ClinVar variation 3894693 (VCV003894693.3), dbSNP rs759535337.

ClinVar aggregate classification (germline): Conflicting classifications of pathogenicity. Review status: criteria provided, conflicting classifications (1 of 4 stars). 3 submissions from 3 submitters: Likely pathogenic (1); Uncertain significance (2). Last evaluated 2026-03-04.

Conditions:
LMF1-related disorder. Also called: LMF1-related condition.
Cardiovascular phenotype. Identifiers: MedGen CN230736.

gnomAD v4.1: 4 of 1,608,280 alleles (0.00025%); highest among the groups gnomAD compares: Admixed American, 0.0067%; no homozygotes.

Submissions (3):

Ambry Genetics
Classification: Likely pathogenic for Cardiovascular phenotype. Last evaluated: 2026-03-04. Review status: criteria provided, single submitter. Criteria: Ambry Variant Classification Scheme 2023. Collection method: clinical testing. Allele origin: germline.
Comment: The p.L78P variant (also known as c.233T>C), located in coding exon 2 of the LMF1 gene, results from a T to C substitution at nucleotide position 233. The leucine at codon 78 is replaced by proline, an amino acid with similar properties. This variant has been identified in the homozygous state and/or in conjunction with other LMF1 variant(s) in individual(s) with features consistent with LMF1-related chylomicronemia syndrome (Ambry internal data; Garay-Garc&iacute;a K et al. J Clin Lipidol, 2022 Feb;16:277-280). This amino acid position is highly conserved in available vertebrate species. In addition, this alteration is predicted to be deleterious by in silico analysis. This variant is considered to be rare based on population cohorts in the Genome Aggregation Database (gnomAD). Based on the majority of available evidence to date, this variant is likely to be pathogenic.

Molecular Diagnostic Laboratory for Inherited Cardiovascular Disease, Montreal Heart Institute
Classification: Uncertain significance for Cardiovascular phenotype. Last evaluated: 2025-04-09. Review status: criteria provided, single submitter. Criteria: ACMG Guidelines, 2015. Collection method: clinical testing. Allele origin: germline. Affected: yes.

PreventionGenetics, part of Exact Sciences
Classification: Uncertain significance for LMF1-related condition. Last evaluated: 2024-12-11. Review status: criteria provided, single submitter. Criteria: ACMG Guidelines, 2015. Collection method: clinical testing. Allele origin: germline.
Comment: The LMF1 c.233T>C variant is predicted to result in the amino acid substitution p.Leu78Pro. This variant has been reported in the homozygous state in an individual with severe hypertriglyceridemia (Garay-García et al. 2022. PubMed ID: 35246399). This variant is reported in 0.015% of alleles in individuals of Latino descent in gnomAD. Although we suspect that this variant may be pathogenic, at this time, the clinical significance of this variant is uncertain due to the absence of conclusive functional and genetic evidence.

Literature cited by the submitters: PubMed 35246399 (cited by Ambry Genetics).